The following is an entry in ClinVar:

NM_000268.4(NF2):c.516+2T>G

Gene: NF2 (NF2, moesin-ezrin-radixin like (MERLIN) tumor suppressor; plus strand). Cytogenetic location: 22q12.2.
Variant type: single nucleotide variant.
Coding change: c.516+2T>G on transcript NM_000268.4 (MANE Select); the canonical splice donor site of the intron after coding-DNA position 516, T replaced by G.
Molecular consequence: splice donor variant. On other transcripts: intron variant (1).
Genome position (GRCh38, 1-based): chr22:29,654,727, T>G. VCF-style: chr22-29654727-T-G. GRCh37 (hg19) VCF-style: chr22-30050716-T-G.
Other names: c.516+2T>G (NM_016418.5, NM_181832.3, NM_001407060.1 and 4 more transcripts); c.402+2T>G (NM_001407056.1, NM_001407053.1); c.285+2T>G (NM_001407067.1); c.-125+2T>G (NM_001407065.1); c.447+12442T>G (NM_181833.3); c.393+2T>G (NM_001407058.1, NM_181829.3, NM_001407054.1 and 1 more transcripts); c.390+2T>G (NM_181828.3, NM_001407055.1); c.267+2T>G (NM_001407063.1, NM_181830.3, NM_001407064.1 and 1 more transcripts).
Identifiers: ClinVar variation 565836 (VCV000565836.11), dbSNP rs1569293488, ClinGen allele CA411142267.

ClinVar aggregate classification (germline): Pathogenic (1 of 4 stars; one submission).

Conditions:
Neurofibromatosis, type 2 (SWNV). Also called: NF2-Related Schwannomatosis; BILATERAL ACOUSTIC NEUROFIBROMATOSIS; SCHWANNOMATOSIS, VESTIBULAR. Identifiers: Orphanet 637, MedGen C0027832, MONDO:0007039, OMIM 101000. Disease mechanism: loss of function.

Submission:

Labcorp Genetics (formerly Invitae), Labcorp
Classification: Pathogenic for Neurofibromatosis, type 2. Last evaluated: 2022-11-15. Review status: criteria provided, single submitter. Criteria: Invitae Variant Classification Sherloc (09022015). Collection method: clinical testing. Allele origin: germline.
Comment: ClinVar contains an entry for this variant (Variation ID: 565836). Disruption of this splice site has been observed in individuals with clinical features of NF2-related conditions (Invitae). This variant is not present in population databases (gnomAD no frequency). This sequence change affects a donor splice site in intron 5 of the NF2 gene. It is expected to disrupt RNA splicing. Variants that disrupt the donor or acceptor splice site typically lead to a loss of protein function (PMID: 16199547), and loss-of-function variants in NF2 are known to be pathogenic (PMID: 9643284, 16983642). Algorithms developed to predict the effect of sequence changes on RNA splicing suggest that this variant may disrupt the consensus splice site. For these reasons, this variant has been classified as Pathogenic.

Literature cited by the submitters: PubMed 16199547; PubMed 9643284; PubMed 16983642.